The following is an entry in ClinVar:

NM_213655.5(WNK1):c.2560C>T (p.Gln854Ter)

Gene: WNK1 (WNK lysine deficient protein kinase 1; plus strand). Cytogenetic location: 12p13.33.
Variant type: single nucleotide variant.
Coding change: c.2560C>T on transcript NM_213655.5 (MANE Plus Clinical); coding-DNA position 2560, C replaced by T.
Protein change: p.Gln854Ter; replaces glutamine 854 with a stop codon.
Molecular consequence: nonsense. On other transcripts: intron variant (2).
Genome position (GRCh38, 1-based): chr12:868,031, C>T. VCF-style: chr12-868031-C-T. GRCh37 (hg19) VCF-style: chr12-977197-C-T.
Other names: c.2305C>T, p.Gln769Ter (NM_001184985.2); c.2140-3234C>T (NM_018979.4, NM_014823.3); short protein forms Q769*, Q854*.
Identifiers: ClinVar variation 3256768 (VCV003256768.1).

ClinVar aggregate classification (germline): Likely pathogenic (0 of 4 stars; one submission).

Conditions:
Pseudohypoaldosteronism type 2C (PHA2C). Also called: Pseudohypoaldosteronism Type IIC. Identifiers: Orphanet 757, Orphanet 88940, MedGen C1840391, MONDO:0013778, OMIM 614492.

Submission:

Solve-RD Consortium
Classification: Likely pathogenic for Pseudohypoaldosteronism type 2C. Last evaluated: 2022-06-01. Review status: no assertion criteria provided. Collection method: provider interpretation. Allele origin: inherited. Affected: yes.
Comment: Variant confirmed as disease-causing by referring clinical team

Variant identified during reanalysis of unsolved cases by the Solve-RD project. The Solve-RD project has received funding from the European Union’s Horizon 2020 research and innovation programme under grant agreement No 779257.

Literature cited by the submitters: PubMed 39825153.